The following is an entry in ClinVar:

NM_006947.4(SRP72):c.347G>A (p.Gly116Glu)

Gene: SRP72 (signal recognition particle 72; plus strand). Cytogenetic location: 4q12.
Variant type: single nucleotide variant.
Coding change: c.347G>A on transcript NM_006947.4 (MANE Select); coding-DNA position 347, G replaced by A.
Protein change: p.Gly116Glu; replaces glycine 116 with glutamic acid.
Molecular consequence: missense variant. On other transcripts: non-coding transcript variant (1).
Genome position (GRCh38, 1-based): chr4:56,471,836, G>A. VCF-style: chr4-56471836-G-A. GRCh37 (hg19) VCF-style: chr4-57338002-G-A.
Other names: c.347G>A, p.Gly116Glu (NM_001267722.2); short protein forms G116E.
Identifiers: ClinVar variation 3363752 (VCV003363752.1).

ClinVar aggregate classification (germline): Uncertain significance (1 of 4 stars; one submission).

gnomAD v4.1: 2 of 1,613,774 alleles (0.00012%); no homozygotes.

Submission:

GeneDx
Classification: Uncertain significance. Last evaluated: 2023-11-03. Review status: criteria provided, single submitter. Criteria: GeneDx Variant Classification Process June 2021. Collection method: clinical testing. Allele origin: germline. Affected: yes.
Comment: Not observed at significant frequency in large population cohorts (gnomAD); In silico analysis supports that this missense variant has a deleterious effect on protein structure/function; Has not been previously published as pathogenic or benign to our knowledge; This variant is associated with the following publications: (PMID: 28369529, 27899666)